The following is an entry in ClinVar:

ClinVar aggregate classification (germline): Conflicting classifications of pathogenicity. Review status: criteria provided, conflicting classifications (1 of 4 stars). 8 submissions from 8 submitters: Pathogenic (2); Uncertain significance (3). 3 of the submissions do not count toward it. Last evaluated 2025-02-19.

Conditions:
Cardiovascular phenotype. Identifiers: MedGen CN230736.
Hypertrophic cardiomyopathy 4. Also called: Familial hypertrophic cardiomyopathy 4. Identifiers: MedGen C1861862, MONDO:0007268, OMIM 115197.
Hypertrophic cardiomyopathy. Also called: HYPERTROPHIC MYOCARDIOPATHY. Identifiers: Orphanet 217569, MedGen C0007194, MeSH D002312, MONDO:0005045, HP:0001639.

gnomAD v4.1: 2 of 1,562,798 alleles (0.00013%); highest among the groups gnomAD compares: Non-Finnish European, 0.00017%; no homozygotes.

Submissions (8):

Labcorp Genetics (formerly Invitae), Labcorp
Classification: Uncertain significance for Hypertrophic cardiomyopathy. Last evaluated: 2025-02-19. Review status: criteria provided, single submitter. Criteria: Invitae Variant Classification Sherloc (09022015). Collection method: clinical testing. Allele origin: germline.
Comment: This sequence change replaces proline, which is neutral and non-polar, with serine, which is neutral and polar, at codon 161 of the MYBPC3 protein (p.Pro161Ser). The frequency data for this variant in the population databases is considered unreliable, as metrics indicate poor data quality at this position in the gnomAD database. This missense change has been observed in individuals with hypertrophic cardiomyopathy (PMID: 14563344, 22857948, 30847666; internal data). It has also been observed to segregate with disease in related individuals. ClinVar contains an entry for this variant (Variation ID: 518242). An algorithm developed to predict the effect of missense changes on protein structure and function (PolyPhen-2) suggests that this variant is likely to be disruptive. This variant disrupts the p.Pro161 amino acid residue in MYBPC3. Other variant(s) that disrupt this residue have been observed in individuals with MYBPC3-related conditions (internal data), which suggests that this may be a clinically significant amino acid residue. In summary, the available evidence is currently insufficient to determine the role of this variant in disease. Therefore, it has been classified as a Variant of Uncertain Significance.

GeneDx
Classification: Uncertain significance. Last evaluated: 2022-05-31. Review status: criteria provided, single submitter. Criteria: GeneDx Variant Classification Process June 2021. Collection method: clinical testing. Allele origin: germline. Affected: yes.
Comment: Reported in multiple Dutch patients with cardiomyopathy or arrhythmia, but most affected individuals also harbored variants in other genes (Alders et al., 2003; Christiaans et al., 2010; Verhagen et al., 2018; van Lint et al., 2019); Not observed at significant frequency in large population cohorts (gnomAD); In silico analysis supports that this missense variant has a deleterious effect on protein structure/function; This variant is associated with the following publications: (PMID: 21415409, 14563344, 22857948, 20019025, 29988065, 30847666)

Ambry Genetics
Classification: Uncertain significance for Cardiovascular phenotype. Last evaluated: 2018-09-18. Review status: criteria provided, single submitter. Criteria: Ambry Variant Classification Scheme 2023. Collection method: clinical testing. Allele origin: germline.
Comment: The p.P161S variant (also known as c.481C>T), located in coding exon 4 of the MYBPC3 gene, results from a C to T substitution at nucleotide position 481. The proline at codon 161 is replaced by serine, an amino acid with similar properties. This alteration has been previously reported in hypertrophic cardiomyopathy (HCM) cohorts; however, clinical details were limited (Alders M et al. Eur. Heart J. 2003;24:1848-53; Brito D et al. Rev Port Cardiol. 2012;31:577-87). This amino acid position is highly conserved in available vertebrate species. In addition, the in silico prediction for this alteration is inconclusive. Since supporting evidence is limited at this time, the clinical significance of this alteration remains unclear.

Genome Diagnostics Laboratory, University Medical Center Utrecht
Classification: Pathogenic for Hypertrophic cardiomyopathy 4. Last evaluated: 2017-07-28. Review status: criteria provided, single submitter. Criteria: ACGS Guidelines, 2013. Collection method: clinical testing. Allele origin: germline. Affected: yes. Study: VKGL Data-share Consensus.

Clinical Genetics DNA and cytogenetics Diagnostics Lab, Erasmus MC, Erasmus Medical Center
Classification: Pathogenic for Hypertrophic cardiomyopathy 4. Last evaluated: 2015-09-21. Review status: criteria provided, single submitter. Criteria: ACGS Guidelines, 2013. Collection method: clinical testing. Allele origin: germline. Affected: yes. Study: VKGL Data-share Consensus.

Clinical Genetics, Academic Medical Center
Classification: Pathogenic. Review status: no assertion criteria provided. Collection method: clinical testing. Allele origin: germline. Affected: yes. Study: VKGL Data-share Consensus. Not counted in ClinVar's aggregate classification.

Diagnostic Laboratory, Department of Genetics, University Medical Center Groningen
Classification: Pathogenic for Hypertrophic cardiomyopathy 4. Review status: no assertion criteria provided. Collection method: clinical testing. Allele origin: germline. Affected: yes. Study: VKGL Data-share Consensus. Not counted in ClinVar's aggregate classification.

Joint Genome Diagnostic Labs from Nijmegen and Maastricht, Radboudumc and MUMC+
Classification: Likely pathogenic. Review status: no assertion criteria provided. Collection method: clinical testing. Allele origin: germline. Affected: yes. Study: VKGL Data-share Consensus. Not counted in ClinVar's aggregate classification.

Literature cited by the submitters: PubMed 14563344 (cited by Labcorp Genetics (formerly Invitae), Labcorp and Ambry Genetics); PubMed 22857948 (cited by Labcorp Genetics (formerly Invitae), Labcorp and Ambry Genetics); PubMed 30847666 (cited by Labcorp Genetics (formerly Invitae), Labcorp); PubMed 20019025 (cited by Ambry Genetics); PubMed 29988065 (cited by Ambry Genetics).

NM_000256.3(MYBPC3):c.481C>T (p.Pro161Ser)

Gene: MYBPC3 (myosin binding protein C3; minus strand). Cytogenetic location: 11p11.2.
Variant type: single nucleotide variant.
Coding change: c.481C>T on transcript NM_000256.3 (MANE Select); coding-DNA position 481, C replaced by T.
Protein change: p.Pro161Ser; replaces proline 161 with serine.
Molecular consequence: missense variant.
Genome position (GRCh38, 1-based): chr11:47,350,038, G>A on the plus strand (C>T on the coding strand, the complement: MYBPC3 is on the minus strand). VCF-style: chr11-47350038-G-A. GRCh37 (hg19) VCF-style: chr11-47371589-G-A.
Other names: c.481C>T, p.Pro161Ser (LRG_386t1); short protein forms P161S.
Identifiers: ClinVar variation 518242 (VCV000518242.14), dbSNP rs397516053, ClinGen allele CA380338514.
Genomic context (GRCh38, chr11:47,350,038, plus strand): 5'-CCCACCCCAATGCTGGGCACAGCAGCTCACACTCACCCACGGTCACCTCGCCATCCTGTG[G>A]CCGCATCACGAAGAGGCCAATGGGGTCATCGGGGGCTCCAGGGGTAGGACCATTGAGAGC-3'
Protein context (NP_000247.2, residues 151-171): DDPIGLFVMR[Pro161Ser]QDGEVTVGGS